The following is an entry in ClinVar:

NM_005045.4(RELN):c.4946G>A (p.Arg1649His)

Gene: RELN (reelin; minus strand). Cytogenetic location: 7q22.1.
Variant type: single nucleotide variant.
Coding change: c.4946G>A on transcript NM_005045.4 (MANE Select); coding-DNA position 4946, G replaced by A.
Protein change: p.Arg1649His; replaces arginine 1649 with histidine.
Molecular consequence: missense variant.
Genome position (GRCh38, 1-based): chr7:103,565,542, C>T on the plus strand (G>A on the coding strand, the complement: RELN is on the minus strand). VCF-style: chr7-103565542-C-T. GRCh37 (hg19) VCF-style: chr7-103205989-C-T.
Other names: c.4946G>A, p.Arg1649His (NM_173054.3); short protein forms R1649H.
Identifiers: ClinVar variation 1054204 (VCV001054204.9), dbSNP rs748067380, ClinGen allele CA4421353.

ClinVar aggregate classification (germline): Uncertain significance (1 of 4 stars; one submission).

Conditions:
Norman-Roberts syndrome (LIS2). Also called: Lissencephaly 2 (Norman-Roberts type). Identifiers: Orphanet 89844, MedGen C0796089, MONDO:0009760, OMIM 257320.
Familial temporal lobe epilepsy 7. Identifiers: Orphanet 101046, MedGen C4225327, MONDO:0014639, OMIM 616436.

Allele frequency attached by ClinVar (database versions not stated): ExAC 0.00001; TOPMed 0.00001; gnomAD 0.00003.
gnomAD v4.1: 6 of 1,604,168 alleles (0.00037%); highest among the groups gnomAD compares: Admixed American, 0.0017%; no homozygotes.

Submission:

Labcorp Genetics (formerly Invitae), Labcorp
Classification: Uncertain significance for Familial temporal lobe epilepsy 7; Norman-Roberts syndrome. Last evaluated: 2023-04-04. Review status: criteria provided, single submitter. Criteria: Invitae Variant Classification Sherloc (09022015). Collection method: clinical testing. Allele origin: germline.
Comment: In summary, the available evidence is currently insufficient to determine the role of this variant in disease. Therefore, it has been classified as a Variant of Uncertain Significance. This variant has not been reported in the literature in individuals affected with RELN-related conditions. This sequence change replaces arginine, which is basic and polar, with histidine, which is basic and polar, at codon 1649 of the RELN protein (p.Arg1649His). This variant is not present in population databases (gnomAD no frequency). ClinVar contains an entry for this variant (Variation ID: 1054204). Advanced modeling of protein sequence and biophysical properties (such as structural, functional, and spatial information, amino acid conservation, physicochemical variation, residue mobility, and thermodynamic stability) performed at Invitae indicates that this missense variant is not expected to disrupt RELN protein function.